The following is an entry in ClinVar:

ClinVar aggregate classification (germline): Uncertain significance (1 of 4 stars; one submission).

Conditions:
Hereditary cancer-predisposing syndrome. Also called: Tumor predisposition; Neoplastic Syndromes, Hereditary; Hereditary neoplastic syndrome; Hereditary Cancer Syndrome. Identifiers: Orphanet 140162, MedGen C0027672, MeSH D009386, MONDO:0015356.

Submission:

Ambry Genetics
Classification: Uncertain significance for Hereditary cancer-predisposing syndrome. Last evaluated: 2025-06-24. Review status: criteria provided, single submitter. Criteria: Ambry Variant Classification Scheme 2023. Collection method: clinical testing. Allele origin: germline.
Comment: The c.2781A>C variant (also known as p.I927I), located in coding exon 11 of the MET gene, results from an A to C substitution at nucleotide position 2781. This nucleotide substitution does not change the amino acid at codon 927. This nucleotide position is highly conserved in available vertebrate species. In silico splice site analysis for this alteration is inconclusive. Based on the available evidence, the clinical significance of this variant remains unclear.

NM_000245.4(MET):c.2727A>C (p.Ile909=)

Gene: MET (MET proto-oncogene, receptor tyrosine kinase; plus strand). Cytogenetic location: 7q31.2.
Variant type: single nucleotide variant.
Coding change: c.2727A>C on transcript NM_000245.4 (MANE Select); coding-DNA position 2727, A replaced by C.
Protein change: p.Ile909=; no amino-acid change (isoleucine 909 retained).
Molecular consequence: synonymous variant.
Genome position (GRCh38, 1-based): chr7:116,769,788, A>C. VCF-style: chr7-116769788-A-C. GRCh37 (hg19) VCF-style: chr7-116409842-A-C.
Other names: c.2781A>C, p.Ile927= (NM_001127500.3); c.2727A>C, p.Ile909= (NM_001324401.3); c.1437A>C, p.Ile479= (NM_001324402.2).
Identifiers: ClinVar variation 4106740 (VCV004106740.1).
Genomic context (GRCh38, chr7:116,769,788, plus strand): 5'-TGAAGCCGTTTTATGCACGGTCCCCAATGACCTGCTGAAATTGAACAGCGAGCTAAATAT[A>C]GAGGTGGGATTCCTGCATTCCTCTCATGATGTAAATAAGGAAGCCAGTGTAATTATGTTA-3'
Protein context (NP_000236.2, residues 899-919): DLLKLNSELN[Ile909=]EWKQAISSTV